The following is an entry in ClinVar:

ClinVar aggregate classification (germline): Uncertain significance. Review status: criteria provided, multiple submitters, no conflicts (2 of 4 stars). 3 submissions from 3 submitters: Uncertain significance (3). Last evaluated 2025-01-24.

Conditions:
RYR1-related disorder. Also called: RYR1-related condition; RYR1-related disorders. Identifiers: MedGen CN239331.
Malignant hyperthermia, susceptibility to, 1 (MHS1). Also called: Anesthesia related hyperthermia; Malignant hyperpyrexia; Fulminating hyperpyrexia; Pharmacogenic myopathy; RYR1-Related Malignant Hyperthermia Susceptibility; Malignant hyperthermia suceptibility 1. Identifiers: Orphanet 423, MedGen C2930980, MONDO:0007783, OMIM 145600.

Allele frequency attached by ClinVar (database versions not stated): gnomAD exomes below 0.00001 and 0.00001; TOPMed below 0.00001; gnomAD 0.00001.
gnomAD v4.1: 6 of 1,612,164 alleles (0.00037%); highest among the groups gnomAD compares: Admixed American, 0.005%; no homozygotes.

Submissions (3):

Women's Health and Genetics/Laboratory Corporation of America, LabCorp
Classification: Uncertain significance. Last evaluated: 2025-01-24. Review status: criteria provided, single submitter. Criteria: LabCorp Variant Classification Summary - May 2015. Collection method: clinical testing. Allele origin: germline.
Comment: Variant summary: RYR1 c.11062G>A (p.Glu3688Lys) results in a conservative amino acid change in the encoded protein sequence. Four of five in-silico tools predict a benign effect of the variant on protein function. The variant allele was found at a frequency of 4.1e-06 in 244882 control chromosomes. The available data on variant occurrences in the general population are insufficient to allow any conclusion about variant significance. To our knowledge, no occurrence of c.11062G>A in individuals affected with Congenital multicore myopathy with external ophthalmoplegia and no experimental evidence demonstrating its impact on protein function have been reported. ClinVar contains an entry for this variant (Variation ID: 1491883). Based on the evidence outlined above, the variant was classified as uncertain significance.

All of Us Research Program, National Institutes of Health
Classification: Uncertain significance for Malignant hyperthermia, susceptibility to, 1. Last evaluated: 2023-08-28. Review status: criteria provided, single submitter. Criteria: ACMG Guidelines, 2015. Collection method: clinical testing. Allele origin: germline. Inheritance: Autosomal dominant inheritance. Observed: 1 variant allele, 1 heterozygote.
Comment: This missense variant replaces glutamic acid with lysine at codon 3688 of the RYR1 protein. Computational prediction suggests that this variant may not impact protein structure and function (internally defined REVEL score threshold <= 0.5, PMID: 27666373). To our knowledge, functional studies have not been reported for this variant. This variant has not been reported in individuals affected with RYR1-related disorders in the literature. This variant has been identified in 2/276264 chromosomes in the general population by the Genome Aggregation Database (gnomAD). The available evidence is insufficient to determine the role of this variant in disease conclusively. Therefore, this variant is classified as a Variant of Uncertain Significance.

This study involves interpretation of variants in research participants for the purpose of population health screening. Participant phenotype was not available at the time of variant classification. Additional details can be found in publication PMID: 35346344, PMCID: PMC8962531

Labcorp Genetics (formerly Invitae), Labcorp
Classification: Uncertain significance for RYR1-related disorder. Last evaluated: 2021-08-14. Review status: criteria provided, single submitter. Criteria: Invitae Variant Classification Sherloc (09022015). Collection method: clinical testing. Allele origin: germline.
Comment: This sequence change replaces glutamic acid with lysine at codon 3688 of the RYR1 protein (p.Glu3688Lys). The glutamic acid residue is moderately conserved and there is a small physicochemical difference between glutamic acid and lysine. This variant is not present in population databases (ExAC no frequency). This variant has not been reported in the literature in individuals affected with RYR1-related conditions. Advanced modeling of protein sequence and biophysical properties (such as structural, functional, and spatial information, amino acid conservation, physicochemical variation, residue mobility, and thermodynamic stability) performed at Invitae indicates that this missense variant is not expected to disrupt RYR1 protein function. In summary, the available evidence is currently insufficient to determine the role of this variant in disease. Therefore, it has been classified as a Variant of Uncertain Significance.

NM_000540.3(RYR1):c.11062G>A (p.Glu3688Lys)

Gene: RYR1 (ryanodine receptor 1; plus strand). Cytogenetic location: 19q13.2.
Variant type: single nucleotide variant.
Coding change: c.11062G>A on transcript NM_000540.3 (MANE Select); coding-DNA position 11062, G replaced by A.
Protein change: p.Glu3688Lys; replaces glutamic acid 3688 with lysine.
Molecular consequence: missense variant.
Genome position (GRCh38, 1-based): chr19:38,528,978, G>A. VCF-style: chr19-38528978-G-A. GRCh37 (hg19) VCF-style: chr19-39019618-G-A.
Other names: c.11047G>A, p.Glu3683Lys (NM_001042723.2); short protein forms E3683K, E3688K.
Identifiers: ClinVar variation 1491883 (VCV001491883.8), dbSNP rs1471770778, ClinGen allele CA080144.
Genomic context (GRCh38, chr19:38,528,978, plus strand): 5'-AACCCTCTCCCCAAGTCTCCCCTCTCCCACCAGAAAGCTGGGGAGCAGGAGGAGGAGGAG[G>A]AAGAGGTGGAAGAGAAGAAGCCAGACCCCCTGCACCAGTTGGTCCTGCACTTCAGCCGCA-3'
Protein context (NP_000531.2, residues 3678-3698): SKAGEQEEEE[Glu3688Lys]EVEEKKPDPL